The following is an entry in ClinVar:

NM_017780.4(CHD7):c.5049C>T (p.Ser1683=)

Gene: CHD7 (chromodomain helicase DNA binding protein 7; plus strand). Cytogenetic location: 8q12.2.
Variant type: single nucleotide variant.
Coding change: c.5049C>T on transcript NM_017780.4 (MANE Select); coding-DNA position 5049, C replaced by T.
Protein change: p.Ser1683=; no amino-acid change (serine 1683 retained).
Molecular consequence: synonymous variant. On other transcripts: intron variant (1).
Genome position (GRCh38, 1-based): chr8:60,845,062, C>T. VCF-style: chr8-60845062-C-T. GRCh37 (hg19) VCF-style: chr8-61757621-C-T.
Other names: c.1717-17167C>T (NM_001316690.1); c.5049C>T (NM_017780.3).
Identifiers: ClinVar variation 1054135 (VCV001054135.13), dbSNP rs529369619, ClinGen allele CA4760246.

ClinVar aggregate classification (germline): Conflicting classifications of pathogenicity. Review status: criteria provided, conflicting classifications (1 of 4 stars). 4 submissions from 4 submitters: Uncertain significance (2); Likely benign (1). 1 of the submissions does not count toward it. Last evaluated 2025-12-27.

Conditions:
CHARGE syndrome (CHARGE). Also called: Hittner Hirsch Kreh syndrome; CHARGE ASSOCIATION--COLOBOMA, HEART ANOMALY, CHOANAL ATRESIA, RETARDATION, GENITAL AND EAR ANOMALIES; Coloboma, heart anomaly, choanal atresia, retardation, genital and ear anomalies; CHARGE association; Hall-Hittner syndrome. Identifiers: Orphanet 138, MedGen C0265354, MONDO:0008965.
Inborn genetic diseases. Identifiers: MedGen C0950123, MeSH D030342.
Hypogonadotropic hypogonadism 5 with or without anosmia (KAL5). Also called: HYPOGONADOTROPIC HYPOGONADISM 5 WITH ANOSMIA; HYPOGONADOTROPHIC HYPOGONADISM 5 WITHOUT ANOSMIA; CHD7-Related GnRH Deficiency (Kallmann Syndrome 5). Identifiers: Orphanet 478, MedGen C3552553, MONDO:0012880, OMIM 612370. Disease mechanism: loss of function.
CHD7-related disorder. Also called: CHD7-related condition.

Allele frequency attached by ClinVar (database versions not stated): ExAC 0.00001; gnomAD 0.00003 and 0.00004; gnomAD exomes 0.00003; TOPMed 0.00009.
gnomAD v4.1: 53 of 1,613,676 alleles (0.0033%); highest among the groups gnomAD compares: African/African-American, 0.017%; no homozygotes.

Submissions (4):

Labcorp Genetics (formerly Invitae), Labcorp
Classification: Uncertain significance for CHARGE syndrome. Last evaluated: 2025-12-27. Review status: criteria provided, single submitter. Criteria: Invitae Variant Classification Sherloc (09022015). Collection method: clinical testing. Allele origin: germline.
Comment: This sequence change affects codon 1683 of the CHD7 mRNA. It is a 'silent' change, meaning that it does not change the encoded amino acid sequence of the CHD7 protein. It affects a nucleotide within the consensus splice site. This variant is present in population databases (rs529369619, gnomAD 0.02%). This variant has not been reported in the literature in individuals affected with CHD7-related conditions. ClinVar contains an entry for this variant (Variation ID: 1054135). Algorithms developed to predict the effect of sequence changes on RNA splicing suggest that this variant is not likely to affect RNA splicing. In summary, the available evidence is currently insufficient to determine the role of this variant in disease. Therefore, it has been classified as a Variant of Uncertain Significance.

Ambry Genetics
Classification: Likely benign for Inborn genetic diseases. Last evaluated: 2025-08-09. Review status: criteria provided, single submitter. Criteria: Ambry Variant Classification Scheme 2023. Collection method: clinical testing. Allele origin: germline.

Fulgent Genetics
Classification: Uncertain significance for CHD7-related CHARGE syndrome; Hypogonadotropic hypogonadism 5 with or without anosmia. Last evaluated: 2021-11-11. Review status: criteria provided, single submitter. Criteria: ACMG Guidelines, 2015. Collection method: clinical testing. Allele origin: unknown.

PreventionGenetics, part of Exact Sciences
Classification: Likely benign for CHD7-related condition. Last evaluated: 2023-12-12. Review status: no assertion criteria provided. Collection method: clinical testing. Allele origin: germline. Not counted in ClinVar's aggregate classification.
Comment: This variant is classified as likely benign based on ACMG/AMP sequence variant interpretation guidelines (Richards et al. 2015 PMID: 25741868, with internal and published modifications).